The following is an entry in ClinVar:

ClinVar aggregate classification (germline): Likely pathogenic (1 of 4 stars; one submission).

Conditions:
Abetalipoproteinaemia (ABL). Also called: MTP DEFICIENCY; Abetalipoproteinemia; Abetalipoproteinemia neuropathy; Apolipoprotein B deficiency; Congenital betalipoprotein deficiency syndrome. Identifiers: Orphanet 14, MedGen C0000744, MONDO:0008692, OMIM 200100, HP:0008181.

Submission:

Myriad Genetics, Inc.
Classification: Likely pathogenic for Abetalipoproteinaemia. Last evaluated: 2021-12-26. Review status: criteria provided, single submitter. Criteria: Myriad Women's Health Autosomal Recessive and X-Linked Classification Criteria (2021). Collection method: clinical testing. Allele origin: unknown.
Comment: NM_000253.2(MTTP):c.1106C>A(S369*) is expected to be pathogenic in the context of abetalipoproteinemia. This variant is predicted to lead to an abnormal or absent protein product due to the creation of a premature termination codon in MTTP, a gene where loss-of-function variants are known to be pathogenic. Please note: this variant was assessed in the context of healthy population screening.

NM_001386140.1(MTTP):c.1106C>A (p.Ser369Ter)

Gene: MTTP (microsomal triglyceride transfer protein; plus strand). Cytogenetic location: 4q23.
Variant type: single nucleotide variant.
Coding change: c.1106C>A on transcript NM_001386140.1 (MANE Select); coding-DNA position 1106, C replaced by A.
Protein change: p.Ser369Ter; replaces serine 369 with a stop codon.
Molecular consequence: nonsense.
Genome position (GRCh38, 1-based): chr4:99,600,603, C>A. VCF-style: chr4-99600603-C-A. GRCh37 (hg19) VCF-style: chr4-100521760-C-A.
Other names: c.1106C>A, p.Ser369Ter (NM_000253.4); c.857C>A, p.Ser286Ter (NM_001300785.2); short protein forms S286*, S369*.
Identifiers: ClinVar variation 1726580 (VCV001726580.2), dbSNP rs2476124246, ClinGen allele CA357507995.